The following is an entry in ClinVar:

NM_000512.5(GALNS):c.334del (p.Glu112fs)

Gene: GALNS (galactosamine (N-acetyl)-6-sulfatase; minus strand). Cytogenetic location: 16q24.3.
Variant type: Deletion.
Coding change: c.334del on transcript NM_000512.5 (MANE Select); coding-DNA position 334, one base deleted (G; older notation c.334delG).
Protein change: p.Glu112fs; shifts the reading frame from glutamic acid 112.
Molecular consequence: frameshift variant. On other transcripts: 5 prime UTR variant (1).
Genome position (GRCh38, 1-based): chr16:88,841,080, C deleted on the plus strand (G on the coding strand, the reverse complement: GALNS is on the minus strand); the first of 2 consecutive C bases (chr16:88,841,080-88,841,081); deleting either gives the same sequence. VCF-style (leftmost placement, unchanged base first): chr16-88841079-TC-T. GRCh37 (hg19) VCF-style: chr16-88907487-TC-T.
Other names: c.-222del (NM_001323543.2); c.352del, p.Glu118fs (NM_001323544.2); short protein forms E112fs, E118fs.
Identifiers: ClinVar variation 1048272 (VCV001048272.3), dbSNP rs2143004665, ClinGen allele CA915940938.

ClinVar aggregate classification (germline): Pathogenic (1 of 4 stars; one submission).

Conditions:
Mucopolysaccharidosis, MPS-IV-A (MPS4A). Also called: Mucopolysaccharidosis type IV A; Mucopolysaccharidosis Type IVA; Morquio syndrome A, mild; MORQUIO SYNDROME A; MPS IVA; mucopolysaccharidosis type 4A. Identifiers: Orphanet 309297, Orphanet 582, MedGen C0086651, MONDO:0009659, OMIM 253000.

Submission:

Laboratory of Diagnosis and Therapy of Lysosomal Disorders, University of Padova
Classification: Pathogenic for Mucopolysaccharidosis, MPS-IV-A. Last evaluated: 2021-02-01. Review status: criteria provided, single submitter. Criteria: ACMG Guidelines, 2015. Collection method: curation. Allele origin: germline. Affected: yes.
Comment: Frameshift variant (PVS1_very strong); in vivo functional studies supportive of a damaging effect on the gene product (low to null enzymatic activity in homozygotes; PS3_supporting); absent from gnomAD v2.1.1 (PM2_moderate)

Literature cited by the submitters: PubMed 12442278; PubMed 34387910.